The following is an entry in ClinVar:

NM_005591.4(MRE11):c.274G>C (p.Glu92Gln)

Gene: MRE11 (MRE11 double strand break repair nuclease; minus strand). Cytogenetic location: 11q21.
Variant type: single nucleotide variant.
Coding change: c.274G>C on transcript NM_005591.4 (MANE Select); coding-DNA position 274, G replaced by C.
Protein change: p.Glu92Gln; replaces glutamic acid 92 with glutamine.
Molecular consequence: missense variant.
Genome position (GRCh38, 1-based): chr11:94,485,964, C>G on the plus strand (G>C on the coding strand, the complement: MRE11 is on the minus strand). VCF-style: chr11-94485964-C-G. GRCh37 (hg19) VCF-style: chr11-94219130-C-G.
Other names: c.274G>C, p.Glu92Gln (NM_001330347.2, NM_005590.4); short protein forms E92Q.
Identifiers: ClinVar variation 821762 (VCV000821762.4), dbSNP rs587780139, ClinGen allele CA382379496.

ClinVar aggregate classification (germline): Uncertain significance (1 of 4 stars; one submission).

Conditions:
Hereditary cancer-predisposing syndrome. Also called: Tumor predisposition; Hereditary Cancer Syndrome; Neoplastic Syndromes, Hereditary; Hereditary neoplastic syndrome. Identifiers: Orphanet 140162, MedGen C0027672, MeSH D009386, MONDO:0015356.

Submission:

Ambry Genetics
Classification: Uncertain significance for Hereditary cancer-predisposing syndrome. Last evaluated: 2019-08-02. Review status: criteria provided, single submitter. Criteria: Ambry Variant Classification Scheme 2023. Collection method: clinical testing. Allele origin: germline.
Comment: The p.E92Q variant (also known as c.274G>C), located in coding exon 3 of the MRE11A gene, results from a G to C substitution at nucleotide position 274. The glutamic acid at codon 92 is replaced by glutamine, an amino acid with highly similar properties. This amino acid position is well conserved in available vertebrate species. In addition, the in silico prediction for this alteration is inconclusive. Since supporting evidence is limited at this time, the clinical significance of this alteration remains unclear.